The following is an entry in ClinVar:

ClinVar aggregate classification (germline): Uncertain significance (1 of 4 stars; one submission).

gnomAD v4.1: 1 of 1,605,224 alleles (0.000062%); highest among the groups gnomAD compares: Non-Finnish European, 0.000085%; no homozygotes.

Submission:

Women's Health and Genetics/Laboratory Corporation of America, LabCorp
Classification: Uncertain significance. Last evaluated: 2024-12-30. Review status: criteria provided, single submitter. Criteria: LabCorp Variant Classification Summary - May 2015. Collection method: clinical testing. Allele origin: germline.
Comment: Variant summary: PRPH c.218T>C (p.Leu73Pro) results in a non-conservative amino acid change located in the Intermediate filament head (DNA binding) region (IPR006821) of the encoded protein sequence. Three of five in-silico tools predict a benign effect of the variant on protein function. The variant was absent in 221502 control chromosomes. The available data on variant occurrences in the general population are insufficient to allow any conclusion about variant significance. To our knowledge, no occurrence of c.218T>C in individuals affected with Amyotrophic lateral sclerosis type 1 and no experimental evidence demonstrating its impact on protein function have been reported. No submitters have cited clinical-significance assessments for this variant to ClinVar. Based on the evidence outlined above, the variant was classified as uncertain significance.

NM_006262.4(PRPH):c.218T>C (p.Leu73Pro)

Genes: PRPH (peripherin; plus strand), TROAP-AS1 (TROAP and PRPH antisense RNA 1; minus strand). Cytogenetic location: 12q13.12.
Variant type: single nucleotide variant.
Coding change: c.218T>C on transcript NM_006262.4 (MANE Select); coding-DNA position 218, T replaced by C.
Protein change: p.Leu73Pro; replaces leucine 73 with proline.
Molecular consequence: missense variant. On other transcripts: non-coding transcript variant (1).
Genome position (GRCh38, 1-based): chr12:49,295,418, T>C. VCF-style: chr12-49295418-T-C. GRCh37 (hg19) VCF-style: chr12-49689201-T-C.
Other names: short protein forms L73P.
Identifiers: ClinVar variation 3768034 (VCV003768034.1).